The following is an entry in ClinVar:

ClinVar aggregate classification (germline): Conflicting classifications of pathogenicity. Review status: criteria provided, conflicting classifications (1 of 4 stars). 7 submissions from 1 submitter: Uncertain significance (1); Benign (6). Last evaluated 2018-01-13.

Conditions:
Marfan syndrome (MFS). Also called: Marfan syndrome type 1; Marfan's syndrome; MARFAN SYNDROME, TYPE I; Marfan syndrome, classic; FBN1-Related Marfan Syndrome. Identifiers: Orphanet 284963, Orphanet 558, MedGen C0024796, MONDO:0007947, OMIM 154700.
Acromicric dysplasia (ACMICD). Also called: Acromicric skeletal dysplasia. Identifiers: Orphanet 969, MedGen C0265287, MONDO:0007055, OMIM 102370.
Stiff skin syndrome (SSKS). Identifiers: Orphanet 2833, MedGen C1861456, MONDO:0008492, OMIM 184900.
Geleophysic dysplasia. Identifiers: Orphanet 2623, MedGen C3489726, MONDO:0000127.
Weill-Marchesani syndrome. Also called: WM Syndrome; Mesodermal dysmorphodystrophy congenital. Identifiers: Orphanet 3449, MedGen C0265313, MONDO:0018096.
Ectopia lentis 1, isolated, autosomal dominant (ECTOL1). Identifiers: Orphanet 1885, MedGen C3541518, MONDO:0007514, OMIM 129600.
Familial thoracic aortic aneurysm and aortic dissection (TAAD). Also called: Thoracic aortic aneurysms and dissections. Identifiers: Orphanet 91387, MedGen C4707243, MONDO:0019625.

Allele frequency attached by ClinVar (database versions not stated): gnomAD 0.00002 and 0.00012; TOPMed 0.00005; 1000 Genomes Project 30x 0.00141; 1000 Genomes Project 0.00160.

Submissions (7):

Illumina Laboratory Services, Illumina
Classification: Benign for Geleophysic dysplasia. Last evaluated: 2018-01-13. Review status: criteria provided, single submitter. Criteria: ICSL Variant Classification Criteria 13 December 2019. Collection method: clinical testing. Allele origin: germline.
Comment: This variant was observed in the ICSL laboratory as part of a predisposition screen in an ostensibly healthy population. It had not been previously curated by ICSL or reported in the Human Gene Mutation Database (HGMD: prior to June 1st, 2018), and was therefore a candidate for classification through an automated scoring system. Utilizing variant allele frequency, disease prevalence and penetrance estimates, and inheritance mode, an automated score was calculated to assess if this variant is too frequent to cause the disease. Based on the score and internal cut-off values, a variant classified as benign is not then subjected to further curation. The score for this variant resulted in a classification of benign for this disease.

Illumina Laboratory Services, Illumina
Classification: Uncertain significance for Familial thoracic aortic aneurysm and aortic dissection. Last evaluated: 2018-01-13. Review status: criteria provided, single submitter. Criteria: ICSL Variant Classification Criteria 13 December 2019. Collection method: clinical testing. Allele origin: germline.

Illumina Laboratory Services, Illumina
Classification: Benign for Marfan syndrome. Last evaluated: 2018-01-13. Review status: criteria provided, single submitter. Criteria: ICSL Variant Classification Criteria 13 December 2019. Collection method: clinical testing. Allele origin: germline.
Comment: the same text as in the submission from Illumina Laboratory Services, Illumina above.

Illumina Laboratory Services, Illumina
Classification: Benign for Stiff skin syndrome. Last evaluated: 2018-01-13. Review status: criteria provided, single submitter. Criteria: ICSL Variant Classification Criteria 13 December 2019. Collection method: clinical testing. Allele origin: germline.
Comment: the same text as in the submission from Illumina Laboratory Services, Illumina above.

Illumina Laboratory Services, Illumina
Classification: Benign for Acromicric dysplasia. Last evaluated: 2018-01-13. Review status: criteria provided, single submitter. Criteria: ICSL Variant Classification Criteria 13 December 2019. Collection method: clinical testing. Allele origin: germline.
Comment: the same text as in the submission from Illumina Laboratory Services, Illumina above.

Illumina Laboratory Services, Illumina
Classification: Benign for Weill-Marchesani syndrome. Last evaluated: 2018-01-13. Review status: criteria provided, single submitter. Criteria: ICSL Variant Classification Criteria 13 December 2019. Collection method: clinical testing. Allele origin: germline.
Comment: the same text as in the submission from Illumina Laboratory Services, Illumina above.

Illumina Laboratory Services, Illumina
Classification: Benign for Ectopia lentis 1, isolated, autosomal dominant. Last evaluated: 2018-01-13. Review status: criteria provided, single submitter. Criteria: ICSL Variant Classification Criteria 13 December 2019. Collection method: clinical testing. Allele origin: germline.
Comment: the same text as in the submission from Illumina Laboratory Services, Illumina above.

NM_000138.5(FBN1):c.*1484C>T

Gene: FBN1 (fibrillin 1; minus strand). Cytogenetic location: 15q21.1.
Variant type: single nucleotide variant.
Coding change: c.*1484C>T on transcript NM_000138.5 (MANE Select); 1484 bases downstream of the stop codon, C replaced by T.
Molecular consequence: 3 prime UTR variant.
Genome position (GRCh38, 1-based): chr15:48,409,506, G>A on the plus strand (C>T on the coding strand, the complement: FBN1 is on the minus strand). VCF-style: chr15-48409506-G-A. GRCh37 (hg19) VCF-style: chr15-48701703-G-A.
Identifiers: ClinVar variation 316331 (VCV000316331.5), dbSNP rs533502309, ClinGen allele CA10642083.